The following is an entry in ClinVar:

NM_173728.4(ARHGEF15):c.169A>G (p.Met57Val)

Gene: ARHGEF15 (Rho guanine nucleotide exchange factor 15; plus strand). Cytogenetic location: 17p13.1.
Variant type: single nucleotide variant.
Coding change: c.169A>G on transcript NM_173728.4 (MANE Select); coding-DNA position 169, A replaced by G.
Protein change: p.Met57Val; replaces methionine 57 with valine.
Molecular consequence: missense variant.
Genome position (GRCh38, 1-based): chr17:8,312,208, A>G. VCF-style: chr17-8312208-A-G. GRCh37 (hg19) VCF-style: chr17-8215526-A-G.
Other names: c.169A>G (NM_173728.3); c.169A>G, p.Met57Val (NM_025014.2); short protein forms M57V.
Identifiers: ClinVar variation 3708672 (VCV003708672.3).
Genomic context (GRCh38, chr17:8,312,208, plus strand): 5'-CCCCACAATGGCTCCTCTCCACAAGAACTACCCCGAAACTCCAATGATGCACCAACCCCA[A>G]TGTGCACCCCCATCTTCTGGGAGCCCCCAGCTGCATCCCTCAAGCCCCCTGCTCTTTTGC-3'
Protein context (NP_776089.2, residues 47-67): PRNSNDAPTP[Met57Val]CTPIFWEPPA

ClinVar aggregate classification (germline): Uncertain significance. Review status: criteria provided, multiple submitters, no conflicts (2 of 4 stars). 2 submissions from 2 submitters: Uncertain significance (2). Last evaluated 2025-11-25.

Conditions:
Early-infantile DEE. Also called: Early infantile epileptic encephalopathy; Early infantile epileptic encephalopathy with suppression bursts; Ohtahara syndrome. Identifiers: Orphanet 1934, MedGen C0393706, MONDO:0800491.

Submissions (2):

Ambry Genetics
Classification: Uncertain significance. Last evaluated: 2025-11-25. Review status: criteria provided, single submitter. Criteria: Ambry Variant Classification Scheme 2023. Collection method: clinical testing. Allele origin: germline.

Labcorp Genetics (formerly Invitae), Labcorp
Classification: Uncertain significance for Early-infantile DEE. Last evaluated: 2024-05-12. Review status: criteria provided, single submitter. Criteria: Invitae Variant Classification Sherloc (09022015). Collection method: clinical testing. Allele origin: germline.
Comment: This sequence change replaces methionine, which is neutral and non-polar, with valine, which is neutral and non-polar, at codon 57 of the ARHGEF15 protein (p.Met57Val). This variant is not present in population databases (gnomAD no frequency). This variant has not been reported in the literature in individuals affected with ARHGEF15-related conditions. Algorithms developed to predict the effect of missense changes on protein structure and function output the following: SIFT: "Not Available"; PolyPhen-2: "Benign"; Align-GVGD: "Not Available". The valine amino acid residue is found in multiple mammalian species, which suggests that this missense change does not adversely affect protein function. In summary, the available evidence is currently insufficient to determine the role of this variant in disease. Therefore, it has been classified as a Variant of Uncertain Significance.